The following is an entry in ClinVar:

ClinVar aggregate classification (germline): Pathogenic (1 of 4 stars; one submission).

Conditions:
Intellectual developmental disorder, autosomal dominant 57. Also called: MENTAL RETARDATION, AUTOSOMAL DOMINANT 57; Intellectual disability, autosomal dominant 57. Identifiers: MedGen C4748003, MONDO:0054837, OMIM 618050.

Submission:

SIB Swiss Institute of Bioinformatics
Classification: Pathogenic for Intellectual developmental disorder, autosomal dominant 57. Last evaluated: 2018-10-15. Review status: criteria provided, single submitter. Criteria: ACMG Guidelines, 2015. Collection method: curation. Allele origin: unknown.
Comment: This variant is interpreted as Pathogenic, for Mental retardation, autosomal dominant 57. The following ACMG Tag(s) were applied: PM2 => Absent from controls (or at extremely low frequency if recessive) in Exome Sequencing Project, 1000 Genomes Project, or Exome Aggregation Consortium. PM6 => Assumed de novo, but without confirmation of paternity and maternity (PubMed 29861108). PVS1 => Predicted nullvariant in a gene where LOF is a known mechanism of disease.

Literature cited by the submitters: PubMed 29861108.

NM_006852.6(TLK2):c.37C>T (p.Gln13Ter)

Gene: TLK2 (tousled like kinase 2; plus strand). Cytogenetic location: 17q23.2.
Variant type: single nucleotide variant.
Coding change: c.37C>T on transcript NM_006852.6 (MANE Select); coding-DNA position 37, C replaced by T.
Protein change: p.Gln13Ter; replaces glutamine 13 with a stop codon.
Molecular consequence: nonsense. On other transcripts: 5 prime UTR variant (2).
Genome position (GRCh38, 1-based): chr17:62,481,162, C>T. VCF-style: chr17-62481162-C-T. GRCh37 (hg19) VCF-style: chr17-60558523-C-T.
Other names: c.37C>T, p.Gln13Ter (NM_001284333.3, NM_001284363.1, NM_001375270.1 and 2 more transcripts); c.-461C>T (NM_001330418.3, NM_001375273.1); c.175C>T, p.Gln59Ter (NM_001375269.1); short protein forms Q13*, Q59*.
Identifiers: ClinVar variation 617935 (VCV000617935.1), dbSNP rs1567758622, ClinGen allele CA400508989.